The following is an entry in ClinVar:

NM_014423.4(AFF4):c.196A>G (p.Ile66Val)

Gene: AFF4 (ALF transcription elongation factor 4; minus strand). Cytogenetic location: 5q31.1.
Variant type: single nucleotide variant.
Coding change: c.196A>G on transcript NM_014423.4 (MANE Select); coding-DNA position 196, A replaced by G.
Protein change: p.Ile66Val; replaces isoleucine 66 with valine.
Molecular consequence: missense variant.
Genome position (GRCh38, 1-based): chr5:132,934,869, T>C on the plus strand (A>G on the coding strand, the complement: AFF4 is on the minus strand). VCF-style: chr5-132934869-T-C. GRCh37 (hg19) VCF-style: chr5-132270561-T-C.
Other names: short protein forms I66V.
Identifiers: ClinVar variation 4884903 (VCV004884903.2).
Genomic context (GRCh38, chr5:132,934,869, plus strand): 5'-CTGATGGTGGTACTGTAGGCTTGGGAATTGCAACAAGCTTTGGTATAGATCTGTCTCCTA[T>C]GAAATCCTTCATTTCATCGTAGTTTCCAAGCATACTCTGAATACGACTTGATAACTTATC-3'
Protein context (NP_055238.1, residues 56-76): LGNYDEMKDF[Ile66Val]GDRSIPKLVA

ClinVar aggregate classification (germline): Uncertain significance (1 of 4 stars; one submission).

gnomAD v4.1: 1 of 1,614,120 alleles (0.000062%); highest among the groups gnomAD compares: Non-Finnish European, 0.000085%; no homozygotes.

Submission:

Dasa
Classification: Uncertain significance. Last evaluated: 2025-05-20. Review status: criteria provided, single submitter. Criteria: DASA Assertion Criteria. Collection method: clinical testing. Allele origin: germline.
Comment: NM_014423.4(AFF4):c.196A>G (p.Ile66Val) is a missense variant that results in the substitution of isoleucine with valine. This variant is rare in population databases. Computational prediction algorithms are consistent with a benign effect. The currently available literature and clinical evidence are not sufficient to establish a definitive association between this variant and the reported condition. Therefore, this variant is classified as a variant of uncertain significance.